The following is an entry in ClinVar:

ClinVar aggregate classification (germline): Uncertain significance. Review status: criteria provided, multiple submitters, no conflicts (2 of 4 stars). 2 submissions from 2 submitters: Uncertain significance (2). Last evaluated 2024-05-18.

Conditions:
Immunodeficiency. Identifiers: MedGen C0021051, MONDO:0021094, HP:0002721.

Allele frequency attached by ClinVar (database versions not stated): gnomAD exomes 0.00001; TOPMed 0.00002.
gnomAD v4.1: 10 of 1,614,190 alleles (0.00062%); highest among the groups gnomAD compares: African/African-American, 0.0013%; no homozygotes.

Submissions (2):

Labcorp Genetics (formerly Invitae), Labcorp
Classification: Uncertain significance for Immunodeficiency. Last evaluated: 2024-05-18. Review status: criteria provided, single submitter. Criteria: Invitae Variant Classification Sherloc (09022015). Collection method: clinical testing. Allele origin: germline.
Comment: This sequence change replaces serine, which is neutral and polar, with leucine, which is neutral and non-polar, at codon 853 of the NFAT5 protein (p.Ser853Leu). This variant is not present in population databases (gnomAD no frequency). This variant has not been reported in the literature in individuals affected with NFAT5-related conditions. An algorithm developed to predict the effect of missense changes on protein structure and function (PolyPhen-2) suggests that this variant is likely to be disruptive. In summary, the available evidence is currently insufficient to determine the role of this variant in disease. Therefore, it has been classified as a Variant of Uncertain Significance.

Ambry Genetics
Classification: Uncertain significance. Last evaluated: 2023-12-09. Review status: criteria provided, single submitter. Criteria: Ambry Variant Classification Scheme 2023. Collection method: clinical testing. Allele origin: germline.

NM_138713.4(NFAT5):c.2840C>T (p.Ser947Leu)

Gene: NFAT5 (nuclear factor of activated T cells 5; plus strand). Cytogenetic location: 16q22.1.
Variant type: single nucleotide variant.
Coding change: c.2840C>T on transcript NM_138713.4 (MANE Select); coding-DNA position 2840, C replaced by T.
Protein change: p.Ser947Leu; replaces serine 947 with leucine.
Molecular consequence: missense variant.
Genome position (GRCh38, 1-based): chr16:69,692,665, C>T. VCF-style: chr16-69692665-C-T. GRCh37 (hg19) VCF-style: chr16-69726568-C-T.
Other names: c.2837C>T, p.Ser946Leu (NM_001113178.3); c.2165C>T, p.Ser722Leu (NM_001367709.1); c.2786C>T, p.Ser929Leu (NM_006599.4); c.2558C>T, p.Ser853Leu (NM_138714.4, NM_173214.3, NM_173215.3); short protein forms S722L, S947L, S929L, S853L, S946L.
Identifiers: ClinVar variation 3196122 (VCV003196122.3), dbSNP rs773363517, ClinGen allele CA283373738.
Genomic context (GRCh38, chr16:69,692,665, plus strand): 5'-CCCAGATTCAGTCAGAGTTATTCCCTTCAACTGCTTCAGCAAATGGAAACCTTCAGCAAT[C>T]GCCAGTTTACCAGCAGACTTCTCACATGATGAGTGCATTGTCTACCAATGAGGATATGCA-3'
Protein context (NP_619727.2, residues 937-957): TASANGNLQQ[Ser947Leu]PVYQQTSHMM